The following is an entry in ClinVar:

NM_012401.4(PLXNB2):c.4128C>T (p.Leu1376=)

Gene: PLXNB2 (plexin B2; minus strand). Cytogenetic location: 22q13.33.
Variant type: single nucleotide variant.
Coding change: c.4128C>T on transcript NM_012401.4 (MANE Select); coding-DNA position 4128, C replaced by T.
Protein change: p.Leu1376=; no amino-acid change (leucine 1376 retained).
Molecular consequence: synonymous variant.
Genome position (GRCh38, 1-based): chr22:50,280,536, G>A on the plus strand (C>T on the coding strand, the complement: PLXNB2 is on the minus strand). VCF-style: chr22-50280536-G-A. GRCh37 (hg19) VCF-style: chr22-50718965-G-A.
Other names: c.4128C>T, p.Leu1376= (NM_001376879.1, NM_001376880.1, NM_001376881.1 and 16 more transcripts); c.4104C>T, p.Leu1368= (NM_001376883.1); c.4035C>T, p.Leu1345= (NM_001376886.1); c.4365C>T, p.Leu1455= (NM_001376864.1); c.4197C>T, p.Leu1399= (NM_001376865.1).
Identifiers: ClinVar variation 4534524 (VCV004534524.6).

ClinVar aggregate classification (germline): Likely benign (1 of 4 stars; one submission).

Submission:

CeGaT Center for Human Genetics Tuebingen
Classification: Likely benign. Last evaluated: 2025-10-01. Review status: criteria provided, single submitter. Criteria: CeGaT Center For Human Genetics Tuebingen Variant Classification Criteria Version 2. Collection method: clinical testing. Allele origin: germline. Affected: yes. Observed: 1 variant allele.
Comment: PLXNB2: BP4, BP7